The following is an entry in ClinVar:

ClinVar aggregate classification (germline): Pathogenic (1 of 4 stars; one submission).

Submission:

Labcorp Genetics (formerly Invitae), Labcorp
Classification: Pathogenic. Last evaluated: 2023-09-09. Review status: criteria provided, single submitter. Criteria: Invitae Variant Classification Sherloc (09022015). Collection method: clinical testing. Allele origin: germline.
Comment: Algorithms developed to predict the effect of sequence changes on RNA splicing suggest that this variant may disrupt the consensus splice site. For these reasons, this variant has been classified as Pathogenic. This variant has not been reported in the literature in individuals affected with GGCX-related conditions. This variant is not present in population databases (gnomAD no frequency). This sequence change creates a premature translational stop signal (p.Tyr148*) in the GGCX gene. It is expected to result in an absent or disrupted protein product. Loss-of-function variants in GGCX are known to be pathogenic (PMID: 17110937, 17327402, 24520408).

Literature cited by the submitters: PubMed 17110937; PubMed 17327402; PubMed 24520408.

NM_000821.7(GGCX):c.444T>A (p.Tyr148Ter)

Gene: GGCX (gamma-glutamyl carboxylase; minus strand). Cytogenetic location: 2p11.2.
Variant type: single nucleotide variant.
Coding change: c.444T>A on transcript NM_000821.7 (MANE Select); coding-DNA position 444, T replaced by A.
Protein change: p.Tyr148Ter; replaces tyrosine 148 with a stop codon.
Molecular consequence: nonsense.
Genome position (GRCh38, 1-based): chr2:85,558,535, A>T on the plus strand (T>A on the coding strand, the complement: GGCX is on the minus strand). VCF-style: chr2-85558535-A-T. GRCh37 (hg19) VCF-style: chr2-85785658-A-T.
Other names: c.273T>A, p.Tyr91Ter (NM_001142269.4); short protein forms Y91*, Y148*.
Identifiers: ClinVar variation 2759418 (VCV002759418.3), dbSNP rs1377815840, ClinGen allele CA347491363.